The following is an entry in ClinVar:

ClinVar aggregate classification (germline): Pathogenic (1 of 4 stars; one submission).

Submission:

Labcorp Genetics (formerly Invitae), Labcorp
Classification: Pathogenic. Last evaluated: 2022-09-28. Review status: criteria provided, single submitter. Criteria: Invitae Variant Classification Sherloc (09022015). Collection method: clinical testing. Allele origin: germline.
Comment: For these reasons, this variant has been classified as Pathogenic. Disruption of the initiator codon has been observed in individual(s) with autosomal recessive epidermolysis bullosa dystrophica (PMID: 19665875, 29531004). This variant is not present in population databases (gnomAD no frequency). This sequence change affects the initiator methionine of the COL7A1 mRNA. The next in-frame methionine is located at codon 410.

Literature cited by the submitters: PubMed 19665875; PubMed 29531004.

NM_000094.4(COL7A1):c.2T>G (p.Met1Arg)

Gene: COL7A1 (collagen type VII alpha 1 chain; minus strand). Cytogenetic location: 3p21.31.
Variant type: single nucleotide variant.
Coding change: c.2T>G on transcript NM_000094.4 (MANE Select); coding-DNA position 2, T replaced by G.
Protein change: p.Met1Arg; changes the start codon (methionine 1).
Molecular consequence: missense variant, initiator codon variant.
Genome position (GRCh38, 1-based): chr3:48,595,158, A>C on the plus strand (T>G on the coding strand, the complement: COL7A1 is on the minus strand). VCF-style: chr3-48595158-A-C. GRCh37 (hg19) VCF-style: chr3-48632591-A-C.
Other names: short protein forms M1R.
Identifiers: ClinVar variation 2033123 (VCV002033123.5), dbSNP rs2531378940, ClinGen allele CA352750729.